The following is an entry in ClinVar:

NM_000218.3(KCNQ1):c.1032G>A (p.Ala344=)

Gene: KCNQ1 (potassium voltage-gated channel subfamily Q member 1; plus strand). Cytogenetic location: 11p15.5.
Variant type: single nucleotide variant.
Coding change: c.1032G>A on transcript NM_000218.3 (MANE Select); coding-DNA position 1032, G replaced by A.
Protein change: p.Ala344=; no amino-acid change (alanine 344 retained).
Molecular consequence: synonymous variant.
Genome position (GRCh38, 1-based): chr11:2,583,545, G>A. VCF-style: chr11-2583545-G-A. GRCh37 (hg19) VCF-style: chr11-2604775-G-A.
Other names: p.A344A:GCG>GCA; NM_000218.3(KCNQ1):c.1032G>A; p.Ala344=; c.1032G>A, p.Ala344= (NM_001406836.1); c.762G>A, p.Ala254= (NM_001406837.1); c.588G>A, p.Ala196= (NM_001406838.1); c.651G>A, p.Ala217= (NM_181798.2).
Identifiers: ClinVar variation 3135 (VCV000003135.34), dbSNP rs1800171, ClinGen allele CA005005.
Genomic context (GRCh38, chr11:2,583,545, plus strand): 5'-CGGGAAGACCATCGCCTCCTGCTTCTCTGTCTTTGCCATCTCCTTCTTTGCGCTCCCAGC[G>A]GTAGGTGCCCCGTGGGTGCGTTTTCCCTGGCTCCTTGGACAGCTGGGGTCCTGGGGTGGC-3'
Protein context (NP_000209.2, residues 334-354): VFAISFFALP[Ala344=]GILGSGFALK

ClinVar aggregate classification (germline): Pathogenic. Review status: reviewed by expert panel (3 of 4 stars). 19 submissions from 19 submitters: Pathogenic (1). 18 of the submissions do not count toward it. Last evaluated 2025-07-01.

Conditions:
KCNQ1-related disorder. Also called: KCNQ1-related disorders; KCNQ1-related condition. Identifiers: MedGen CN239322.
Cardiovascular phenotype. Identifiers: MedGen CN230736.
Familial long QT syndrome (RWS). Also called: Romano-Ward syndrome; VENTRICULAR FIBRILLATION WITH PROLONGED QT INTERVAL; Congenital long QT syndrome. Identifiers: Orphanet 768, MedGen C1141890, MONDO:0019171.
Long QT syndrome (LQTS). Identifiers: MedGen C0023976, MeSH D008133, MONDO:0002442. Disease mechanism: loss of function. Inheritance: Various modes of inheritance.
Long QT syndrome 2 (LQT2). Identifiers: Orphanet 101016, Orphanet 768, MedGen C3150943, MONDO:0013367, OMIM 613688.
Beckwith-Wiedemann syndrome (BWS). Also called: EMG SYNDROME; Exomphalos macroglossia gigantism syndrome. Identifiers: Orphanet 116, MedGen C0004903, MONDO:0007534, OMIM 130650.
Long QT syndrome 1 (LQT1). Identifiers: Orphanet 101016, Orphanet 768, MedGen C4551647, MONDO:0100316, OMIM 192500, MONDO:0008646.

Allele frequency attached by ClinVar (database versions not stated): TOPMed below 0.00001; gnomAD exomes below 0.00001; gnomAD 0.00001.
gnomAD v4.1: 2 of 1,609,160 alleles (0.00012%); highest among the groups gnomAD compares: Non-Finnish European, 0.00017%; no homozygotes.

Submissions 1 to 7 of 19:

ClinGen Potassium Channel Arrhythmia Variant Curation Expert Panel, ClinGen
Classification: Pathogenic for Long QT syndrome 1. Last evaluated: 2025-07-01. Review status: reviewed by expert panel. Criteria: ClinGen KChannel ACMG Specifications KCNQ1 V1.0.0 2. Collection method: curation. Allele origin: germline. Inheritance: Autosomal dominant inheritance.
Comment: NM_000218.3(KCNQ1):c.1032G>A is a synonymous variant (p.Ala344=) predicted to affect KCNQ1 mRNA splicing. The computational splicing predictor SpliceAI gives scores of 0.49 for donor gain and 0.38 for donor loss, which are higher than the ClinGen Potassium Channel Arrhythmia VCEP PP3 threshold of greater than or equal to 0.2 and predict that the variant disrupts KCNQ1 splicing (PP3). The variant is observed at an extremely low frequency in the population with a maximum allele frequency (gnomAD 4.1.0) of 0.000001701, with 2 in 1,175,668 individuals of European (non-Finnish) ancestry (PM2_Supporting). Functional studies have been performed on this variant and meet criteria with demonstrated deleterious effects on electrophysiology and RNA metabolism (PS3, PMID: 29857160, 10477533, 17292394). There are 23 reported probands in the literature with a clinical diagnosis of Long QT syndrome (PS4; PMID: 26118460, PMID: 21810471, PMID: 9654228, PMID: 29497013, PMID: 17292394). An additional case reports provides specific details that are highly specific for a diagnosis of Long QT syndrome in an individual with the variant who had a significantly prolonged QTc at rest and exercise-triggered events (PP4, PMID: 21810471). In summary, this variant meets the criteria to be classified as pathogenic for long QT syndrome 1 based on the ACMG/AMP criteria applied, as specified by the ClinGen Potassium Channel Arrhythmia VCEP: PS3, PS4, PM2_Supporting, PP3, and PP4. (VCEP specifications version 1.0.0; date of approval 03/04/2025).

CeGaT Center for Human Genetics Tuebingen
Classification: Pathogenic. Last evaluated: 2026-07-01. Review status: criteria provided, single submitter. Criteria: CeGaT Center For Human Genetics Tuebingen Variant Classification Criteria Version 2. Collection method: clinical testing. Allele origin: germline. Affected: yes. Observed: 1 variant allele. Not counted in ClinVar's aggregate classification.
Comment: KCNQ1: PS4, PVS1:Strong, PM2, PS1:Supporting

Labcorp Genetics (formerly Invitae), Labcorp
Classification: Pathogenic for Long QT syndrome. Last evaluated: 2025-12-22. Review status: criteria provided, single submitter. Criteria: Invitae Variant Classification Sherloc (09022015). Collection method: clinical testing. Allele origin: germline. Not counted in ClinVar's aggregate classification.
Comment: This sequence change affects codon 344 of the KCNQ1 mRNA. It is a 'silent' change, meaning that it does not change the encoded amino acid sequence of the KCNQ1 protein. RNA analysis indicates that this variant induces altered splicing and likely results in a shortened protein product. This variant is present in population databases (rs1800171, gnomAD 0.0009%). This variant has been observed in individuals with Jervell and Lange-Nielsen syndrome and/or long QT syndrome (PMID: 9654228, 10973849, 21810471, 22629021). It has also been observed to segregate with disease in related individuals. ClinVar contains an entry for this variant (Variation ID: 3135). Variants that disrupt the consensus splice site are a relatively common cause of aberrant splicing (PMID: 17576681, 9536098). Studies have shown that this variant results in skipping of exon 7, but is expected to preserve the integrity of the reading-frame (PMID: 21810471). For these reasons, this variant has been classified as Pathogenic.

Ambry Genetics
Classification: Pathogenic for Cardiovascular phenotype. Last evaluated: 2024-07-18. Review status: criteria provided, single submitter. Criteria: Ambry Variant Classification Scheme 2023. Collection method: clinical testing. Allele origin: germline. Not counted in ClinVar's aggregate classification.
Comment: The c.1032G>A pathogenic mutation (also known as p.A344A) is located in coding exon 7 of the KCNQ1 gene. This variant results from a G to A substitution at nucleotide position 1032. This nucleotide substitution does not change the amino acid at codon 344. However, this change occurs in the last base pair of coding exon 7, which makes it likely to have some effect on normal mRNA splicing. This alteration has been reported in multiple families with long QT syndrome (LQTS) and Jervell and Lange-Nielsen syndrome, including at least one reported de novo case of LQTS (Kanters JK et al. J. Cardiovasc. Electrophysiol., 1998 Jun;9:620-4; Murray A et al. Circulation, 1999 Sep;100:1077-84; Tsuji-Wakisaka K et al. Biochim. Biophys. Acta, 2011 Nov;1812:1452-9; Gao Y et al. J Cardiovasc Dis Res, 2012 Apr;3:67-75). RNA studies have demonstrated that this alteration leads to exon skipping with the loss of exon 7 as the most frequently observed effect (Murray A et al. Circulation, 1999 Sep;100:1077-84; Tsuji-Wakisaka K et al. Biochim. Biophys. Acta, 2011 Nov;1812:1452-9). In addition, in vitro functional studies have shown significant suppression of potassium channel currents (Tsuji-Wakisaka K et al. Biochim. Biophys. Acta, 2011 Nov;1812:1452-9). This nucleotide position is not well conserved in available vertebrate species. Based on the supporting evidence, this alteration is interpreted as a disease-causing mutation.

KardioGenetik, Herz- und Diabeteszentrum NRW
Classification: Pathogenic for Long QT syndrome 1. Last evaluated: 2024-01-12. Review status: criteria provided, single submitter. Criteria: ACMG Guidelines, 2015. Collection method: clinical testing. Allele origin: unknown. Affected: yes. Observed: 1 variant allele. Not counted in ClinVar's aggregate classification.

All of Us Research Program, National Institutes of Health
Classification: Pathogenic for Long QT syndrome. Last evaluated: 2024-01-08. Review status: criteria provided, single submitter. Criteria: ACMG Guidelines, 2015. Collection method: clinical testing. Allele origin: germline. Inheritance: Autosomal dominant inheritance. Observed: 1 variant allele, 1 heterozygote. Not counted in ClinVar's aggregate classification.
Comment: The c.1032G>A (p.Ala344=) variant in the KCNQ1 gene has been reported in multiple individuals with long QT syndrome and Jervell and Lange-Nielsen syndrome (PMID: 17292394, 9654228, 10973849, 29857160, 32893267). RNA studies have shown that this variant causes exon 7 skipping (PMID: 21810471). This variant has been demonstrated to disrupt protein function (PMID: 17292394). This variant has been reported in ClinVar as pathogenic (ID: 3135). The overall frequency of this variant in the population database (gnomAD) is 1/251186 chromosomes. Based on this evidence, the c.1032G>A (p.Ala344=) variant in the KCNQ1 gene has been classified as pathogenic.

This study involves interpretation of variants in research participants for the purpose of population health screening. Participant phenotype was not available at the time of variant classification. Additional details can be found in publication PMID: 35346344, PMCID: PMC8962531

ARUP Laboratories, Molecular Genetics and Genomics, ARUP Laboratories
Classification: Pathogenic. Last evaluated: 2023-09-06. Review status: criteria provided, single submitter. Criteria: ARUP Molecular Germline Variant Investigation Process 2024. Collection method: clinical testing. Allele origin: germline. Not counted in ClinVar's aggregate classification.
Comment: The KCNQ1 c.1032G>A; p.Ala344= variant (rs1800171) is reported in the literature in individuals and families affected with long QT syndrome (Gao 2012, Kanters 1998, Tsuji 2007, Tsuji-Wakisaka 2011). This variant is also reported in ClinVar (Variation ID: 3135). It is only found on one allele in the Genome Aggregation Database, indicating it is not a common polymorphism. This is a synonymous variant in the last nucleotide of exon 7, and mRNA assays have shown this variant causes exon skipping (Tsuji 2007, Tsuji-Wakisaka 2011). Based on available information, this variant is considered to be pathogenic. References: Gao Y et al. Genotype-phenotype analysis of three Chinese families with Jervell and Lange-Nielsen syndrome. J Cardiovasc Dis Res. 2012 Apr;3(2):67-75. PMID: 22629021. Kanters JK et al. Novel donor splice site mutation in the KVLQT1 gene is associated with long QT syndrome. J Cardiovasc Electrophysiol. 1998 Jun;9(6):620-4. PMID: 9654228. Tsuji K et al. Mechanistic basis for the pathogenesis of long QT syndrome associated with a common splicing mutation in KCNQ1 gene. J Mol Cell Cardiol. 2007 Mar;42(3):662-9. PMID: 17292394. Tsuji-Wakisaka K et al. Identification and functional characterization of KCNQ1 mutations around the exon 7-intron 7 junction affecting the splicing process. Biochim Biophys Acta. 2011 Nov;1812(11):1452-9. PMID: 21810471.